The following is an entry in ClinVar:

NM_017617.5(NOTCH1):c.4656G>A (p.Ala1552=)

Gene: NOTCH1 (notch receptor 1; minus strand). Cytogenetic location: 9q34.3.
Variant type: single nucleotide variant.
Coding change: c.4656G>A on transcript NM_017617.5 (MANE Select); coding-DNA position 4656, G replaced by A.
Protein change: p.Ala1552=; no amino-acid change (alanine 1552 retained).
Molecular consequence: synonymous variant.
Genome position (GRCh38, 1-based): chr9:136,505,035, C>T on the plus strand (G>A on the coding strand, the complement: NOTCH1 is on the minus strand). VCF-style: chr9-136505035-C-T. GRCh37 (hg19) VCF-style: chr9-139399487-C-T.
Other names: c.4656G>A, p.Ala1552= (LRG_1122t1).
Identifiers: ClinVar variation 415414 (VCV000415414.14), dbSNP rs375091696, ClinGen allele CA5340544.

ClinVar aggregate classification (germline): Benign/Likely benign. Review status: criteria provided, multiple submitters, no conflicts (2 of 4 stars). 3 submissions from 3 submitters: Benign (1); Likely benign (2). Last evaluated 2026-01-11.

Conditions:
Familial thoracic aortic aneurysm and aortic dissection (TAAD). Also called: Thoracic aortic aneurysms and dissections. Identifiers: Orphanet 91387, MedGen C4707243, MONDO:0019625.
Adams-Oliver syndrome 5 (AOS5). Identifiers: Orphanet 974, MedGen C4014970, MONDO:0014459, OMIM 616028.

Allele frequency attached by ClinVar (database versions not stated): gnomAD 0.00004 and 0.00005; gnomAD exomes 0.00005 and 0.00009; TOPMed 0.00006; ExAC 0.00008; ESP Exome Variant Server 0.00008.
gnomAD v4.1: 78 of 1,609,618 alleles (0.0048%); highest among the groups gnomAD compares: East Asian, 0.049%; no homozygotes.

Submissions (3):

Labcorp Genetics (formerly Invitae), Labcorp
Classification: Likely benign for Adams-Oliver syndrome 5. Last evaluated: 2026-01-11. Review status: criteria provided, single submitter. Criteria: Invitae Variant Classification Sherloc (09022015). Collection method: clinical testing. Allele origin: germline.

Women's Health and Genetics/Laboratory Corporation of America, LabCorp
Classification: Benign. Last evaluated: 2024-01-02. Review status: criteria provided, single submitter. Criteria: LabCorp Variant Classification Summary - May 2015. Collection method: clinical testing. Allele origin: germline.
Comment: Variant summary: NOTCH1 c.4656G>A alters a conserved nucleotide resulting in a synonymous change. Consensus agreement among computation tools predict no significant impact on normal splicing. However, these predictions have yet to be confirmed by functional studies. The variant allele was found at a frequency of 8.8e-05 in 239224 control chromosomes. The observed variant frequency is approximately 140.45 fold of the estimated maximal expected allele frequency for a pathogenic variant in NOTCH1 causing Adams-Oliver Syndrome 5 phenotype (6.3e-07), strongly suggesting that the variant is benign. To our knowledge, no occurrence of c.4656G>A in individuals affected with Adams-Oliver Syndrome 5 and no experimental evidence demonstrating its impact on protein function have been reported. No submitters have cited clinical-significance assessments for this variant to ClinVar after 2014. Based on the evidence outlined above, the variant was classified as benign.

Ambry Genetics
Classification: Likely benign for Familial thoracic aortic aneurysm and aortic dissection. Last evaluated: 2020-11-20. Review status: criteria provided, single submitter. Criteria: Ambry Variant Classification Scheme 2023. Collection method: clinical testing. Allele origin: germline.

Literature cited by the submitters: PubMed 24943832 (cited by Women's Health and Genetics/Laboratory Corporation of America, LabCorp); PubMed 16614245 (cited by Women's Health and Genetics/Laboratory Corporation of America, LabCorp); PubMed 21670202 (cited by Women's Health and Genetics/Laboratory Corporation of America, LabCorp); PubMed 22210878 (cited by Women's Health and Genetics/Laboratory Corporation of America, LabCorp); PubMed 19635999 (cited by Women's Health and Genetics/Laboratory Corporation of America, LabCorp); PubMed 26837699 (cited by Women's Health and Genetics/Laboratory Corporation of America, LabCorp); PubMed 23086750 (cited by Women's Health and Genetics/Laboratory Corporation of America, LabCorp); PubMed 19245433 (cited by Women's Health and Genetics/Laboratory Corporation of America, LabCorp); PubMed 22077063 (cited by Women's Health and Genetics/Laboratory Corporation of America, LabCorp); PubMed 15472075 (cited by Women's Health and Genetics/Laboratory Corporation of America, LabCorp); PubMed 23734977 (cited by Women's Health and Genetics/Laboratory Corporation of America, LabCorp); PubMed 22858860 (cited by Women's Health and Genetics/Laboratory Corporation of America, LabCorp).